The following is an entry in ClinVar:

NM_001037.5(SCN1B):c.448+205G>T

Gene: SCN1B (sodium voltage-gated channel beta subunit 1; plus strand). Cytogenetic location: 19q13.11.
Variant type: single nucleotide variant.
Coding change: c.448+205G>T on transcript NM_001037.5 (MANE Select); 205 bases into the intron after coding-DNA position 448, G replaced by T.
Molecular consequence: intron variant. On other transcripts: missense variant (1).
Genome position (GRCh38, 1-based): chr19:35,033,944, G>T. VCF-style: chr19-35033944-G-T. GRCh37 (hg19) VCF-style: chr19-35524848-G-T.
Other names: c.653G>T, p.Ser218Ile (NM_199037.5); c.349+205G>T (NM_001321605.2); short protein forms S218I.
Identifiers: ClinVar variation 4714699 (VCV004714699.1).

ClinVar aggregate classification (germline): Uncertain significance (1 of 4 stars; one submission).

Conditions:
Brugada syndrome 5 (BRGDA5). Identifiers: Orphanet 130, Orphanet 871, MedGen C2748541, MONDO:0013015, OMIM 612838.

Submission:

Labcorp Genetics (formerly Invitae), Labcorp
Classification: Uncertain significance for Brugada syndrome 5. Last evaluated: 2025-03-09. Review status: criteria provided, single submitter. Criteria: Invitae Variant Classification Sherloc (09022015). Collection method: clinical testing. Allele origin: germline.
Comment: This sequence change replaces serine, which is neutral and polar, with isoleucine, which is neutral and non-polar, at codon 218 of the SCN1B protein (p.Ser218Ile). This variant is not present in population databases (gnomAD no frequency). This variant has not been reported in the literature in individuals affected with SCN1B-related conditions. An algorithm developed to predict the effect of missense changes on protein structure and function outputs the following: PolyPhen-2: "Benign". The isoleucine amino acid residue is found in multiple mammalian species, which suggests that this missense change does not adversely affect protein function. In summary, the available evidence is currently insufficient to determine the role of this variant in disease. Therefore, it has been classified as a Variant of Uncertain Significance.